The following is an entry in ClinVar:

NM_152564.5(VPS13B):c.1529G>A (p.Arg510His)

Gene: VPS13B (vacuolar protein sorting 13 homolog B; plus strand). Cytogenetic location: 8q22.2.
Variant type: single nucleotide variant.
Coding change: c.1529G>A on transcript NM_152564.5 (MANE Select); coding-DNA position 1529, G replaced by A.
Protein change: p.Arg510His; replaces arginine 510 with histidine.
Molecular consequence: missense variant.
Genome position (GRCh38, 1-based): chr8:99,135,699, G>A. VCF-style: chr8-99135699-G-A. GRCh37 (hg19) VCF-style: chr8-100147927-G-A.
Other names: c.1529G>A (NM_152564.4); c.1529G>A, p.Arg510His (NM_015243.3, NM_017890.5); short protein forms R510H.
Identifiers: ClinVar variation 288755 (VCV000288755.26), dbSNP rs771667880, ClinGen allele CA4822646.

ClinVar aggregate classification (germline): Conflicting classifications of pathogenicity. Review status: criteria provided, conflicting classifications (1 of 4 stars). 7 submissions from 7 submitters: Uncertain significance (3); Benign (1); Likely benign (1). 2 of the submissions do not count toward it. Last evaluated 2026-01-20.

Conditions:
Cohen syndrome (COH1). Also called: Cutis verticis gyrata, retinitis pigmentosa, and sensorineural deafness; PEPPER SYNDROME. Identifiers: Orphanet 193, MedGen C0265223, MONDO:0008999, OMIM 216550.
VPS13B-related disorder. Also called: VPS13B-related condition.

Allele frequency attached by ClinVar (database versions not stated): gnomAD 0.00002 and 0.00007; TOPMed 0.00003; ExAC 0.00034.
gnomAD v4.1: 272 of 1,613,216 alleles (0.017%); highest among the groups gnomAD compares: South Asian, 0.23%; 3 homozygotes.

Submissions (7):

Labcorp Genetics (formerly Invitae), Labcorp
Classification: Benign for Cohen syndrome. Last evaluated: 2026-01-20. Review status: criteria provided, single submitter. Criteria: Invitae Variant Classification Sherloc (09022015). Collection method: clinical testing. Allele origin: germline.

Blueprint Genetics
Classification: Likely benign. Last evaluated: 2024-08-12. Review status: criteria provided, single submitter. Criteria: ACMG Guidelines, 2015. Collection method: clinical testing. Allele origin: germline.

Fulgent Genetics
Classification: Uncertain significance for Cohen syndrome. Last evaluated: 2018-10-31. Review status: criteria provided, single submitter. Criteria: ACMG Guidelines, 2015. Collection method: clinical testing. Allele origin: unknown.

Eurofins Ntd Llc (ga)
Classification: Uncertain significance. Last evaluated: 2016-07-26. Review status: criteria provided, single submitter. Criteria: EGL Classification Definitions 2015. Collection method: clinical testing. Allele origin: germline. Observed: 1 variant allele, 1 heterozygote.

Genetic Services Laboratory, University of Chicago
Classification: Uncertain significance. Last evaluated: 2015-11-19. Review status: criteria provided, single submitter. Criteria: ACMG Guidelines, 2015. Collection method: clinical testing. Allele origin: germline. Affected: no.

PreventionGenetics, part of Exact Sciences
Classification: Likely benign for VPS13B-related condition. Last evaluated: 2022-09-08. Review status: no assertion criteria provided. Collection method: clinical testing. Allele origin: germline. Not counted in ClinVar's aggregate classification.
Comment: This variant is classified as likely benign based on ACMG/AMP sequence variant interpretation guidelines (Richards et al. 2015 PMID: 25741868, with internal and published modifications).

Natera, Inc.
Classification: Benign for Cohen syndrome. Last evaluated: 2020-09-16. Review status: no assertion criteria provided. Collection method: clinical testing. Allele origin: germline. Not counted in ClinVar's aggregate classification.